The following is an entry in ClinVar:

NM_001903.5(CTNNA1):c.2468A>G (p.Lys823Arg)

Gene: CTNNA1 (catenin alpha 1; plus strand). Cytogenetic location: 5q31.2.
Variant type: single nucleotide variant.
Coding change: c.2468A>G on transcript NM_001903.5 (MANE Select); coding-DNA position 2468, A replaced by G.
Protein change: p.Lys823Arg; replaces lysine 823 with arginine.
Molecular consequence: missense variant. On other transcripts: 3 prime UTR variant (5).
Genome position (GRCh38, 1-based): chr5:138,933,836, A>G. VCF-style: chr5-138933836-A-G. GRCh37 (hg19) VCF-style: chr5-138269525-A-G.
Other names: c.*13A>G (NM_001290307.3, NM_001324002.1, NM_001324003.1 and 2 more transcripts); c.2159A>G, p.Lys720Arg (NM_001290309.3); c.2099A>G, p.Lys700Arg (NM_001290310.3); c.1358A>G, p.Lys453Arg (NM_001290312.1, NM_001323987.1, NM_001323997.1 and 12 more transcripts); c.2468A>G, p.Lys823Arg (NM_001323982.2, NM_001323983.1, NM_001323984.2); c.2441A>G, p.Lys814Arg (NM_001323985.2); c.2375A>G, p.Lys792Arg (NM_001323986.2); c.1223A>G, p.Lys408Arg (NM_001324001.1); and 3 more; short protein forms K814R, K340R, K408R, K792R, K422R, K453R, K372R, K700R.
Identifiers: ClinVar variation 2699095 (VCV002699095.3), dbSNP rs2533948498, ClinGen allele CA361135060.

ClinVar aggregate classification (germline): Uncertain significance (1 of 4 stars; one submission).

Submission:

Labcorp Genetics (formerly Invitae), Labcorp
Classification: Uncertain significance. Last evaluated: 2023-06-09. Review status: criteria provided, single submitter. Criteria: Invitae Variant Classification Sherloc (09022015). Collection method: clinical testing. Allele origin: germline.
Comment: In summary, the available evidence is currently insufficient to determine the role of this variant in disease. Therefore, it has been classified as a Variant of Uncertain Significance. Advanced modeling of protein sequence and biophysical properties (such as structural, functional, and spatial information, amino acid conservation, physicochemical variation, residue mobility, and thermodynamic stability) performed at Invitae indicates that this missense variant is not expected to disrupt CTNNA1 protein function. This variant has not been reported in the literature in individuals affected with CTNNA1-related conditions. This variant is not present in population databases (gnomAD no frequency). This sequence change replaces lysine, which is basic and polar, with arginine, which is basic and polar, at codon 823 of the CTNNA1 protein (p.Lys823Arg).